The following is an entry in ClinVar:

NM_001286.5(CLCN6):c.1304A>G (p.Tyr435Cys)

Gene: CLCN6 (Cl-/H+ antiporter 6; plus strand). Cytogenetic location: 1p36.22.
Variant type: single nucleotide variant.
Coding change: c.1304A>G on transcript NM_001286.5 (MANE Select); coding-DNA position 1304, A replaced by G.
Protein change: p.Tyr435Cys; replaces tyrosine 435 with cysteine.
Molecular consequence: missense variant. On other transcripts: non-coding transcript variant (1).
Genome position (GRCh38, 1-based): chr1:11,833,570, A>G. VCF-style: chr1-11833570-A-G. GRCh37 (hg19) VCF-style: chr1-11893627-A-G.
Other names: c.1238A>G, p.Tyr413Cys (NM_001256959.2); short protein forms Y435C, Y413C.
Identifiers: ClinVar variation 4763166 (VCV004763166.1).

ClinVar aggregate classification (germline): Uncertain significance (1 of 4 stars; one submission).

gnomAD v4.1: 1 of 1,614,048 alleles (0.000062%); highest among the groups gnomAD compares: Non-Finnish European, 0.000085%; no homozygotes.

Submission:

Labcorp Genetics (formerly Invitae), Labcorp
Classification: Uncertain significance. Last evaluated: 2025-10-17. Review status: criteria provided, single submitter. Criteria: Invitae Variant Classification Sherloc (09022015). Collection method: clinical testing. Allele origin: germline.
Comment: This sequence change replaces tyrosine, which is neutral and polar, with cysteine, which is neutral and slightly polar, at codon 435 of the CLCN6 protein (p.Tyr435Cys). This variant is not present in population databases (gnomAD no frequency). This variant has not been reported in the literature in individuals affected with CLCN6-related conditions. An algorithm developed to predict the effect of missense changes on protein structure and function (PolyPhen-2) suggests that this variant is likely to be disruptive. In summary, the available evidence is currently insufficient to determine the role of this variant in disease. Therefore, it has been classified as a Variant of Uncertain Significance.